The following is an entry in ClinVar:

NM_001127222.2(CACNA1A):c.605C>T (p.Pro202Leu)

Gene: CACNA1A (calcium voltage-gated channel subunit alpha1 A; minus strand). Cytogenetic location: 19p13.13.
Variant type: single nucleotide variant.
Coding change: c.605C>T on transcript NM_001127222.2 (MANE Select); coding-DNA position 605, C replaced by T.
Protein change: p.Pro202Leu; replaces proline 202 with leucine.
Molecular consequence: missense variant.
Genome position (GRCh38, 1-based): chr19:13,371,714, G>A on the plus strand (C>T on the coding strand, the complement: CACNA1A is on the minus strand). VCF-style: chr19-13371714-G-A. GRCh37 (hg19) VCF-style: chr19-13482528-G-A.
Other names: c.605C>T, p.Pro202Leu (NM_000068.4, NM_001127221.2, NM_001174080.2 and 1 more transcripts); short protein forms P202L.
Identifiers: ClinVar variation 1207431 (VCV001207431.4), dbSNP rs2144559262, ClinGen allele CA404350845.

ClinVar aggregate classification (germline): Pathogenic/Likely pathogenic. Review status: criteria provided, multiple submitters, no conflicts (2 of 4 stars). 2 submissions from 2 submitters: Pathogenic (1); Likely pathogenic (1). Last evaluated 2022-05-04.

Conditions:
Episodic ataxia type 2 (EA2). Also called: CEREBELLAR ATAXIA, PAROXYSMAL, ACETAZOLAMIDE-RESPONSIVE; CEREBELLOPATHY, HEREDITARY PAROXYSMAL; EPISODIC ATAXIA, NYSTAGMUS-ASSOCIATED; ACETAZOLAMIDE-RESPONSIVE HEREDITARY PAROXYSMAL CEREBELLAR ATAXIA; ATAXIA, EPISODIC, WITH NYSTAGMUS; ATAXIA, FAMILIAL PAROXYSMAL. Identifiers: Orphanet 97, MedGen C1720416, MONDO:0007163, OMIM 108500.

Submissions (2):

Mendelics
Classification: Pathogenic for Episodic ataxia type 2. Last evaluated: 2022-05-04. Review status: criteria provided, single submitter. Criteria: Mendelics Assertion Criteria 2019. Collection method: clinical testing. Allele origin: germline.

GeneDx
Classification: Likely pathogenic. Last evaluated: 2020-10-09. Review status: criteria provided, single submitter. Criteria: GeneDx Variant Classification Process June 2021. Collection method: clinical testing. Allele origin: germline. Affected: yes.
Comment: Not observed in large population cohorts (Lek et al., 2016); In silico analysis supports that this missense variant has a deleterious effect on protein structure/function; Has not been previously published as pathogenic or benign to our knowledge